The following is an entry in ClinVar:

ClinVar aggregate classification (germline): Likely benign. Review status: criteria provided, multiple submitters, no conflicts (2 of 4 stars). 5 submissions from 5 submitters: Likely benign (5). Last evaluated 2026-07-26.

Conditions:
Familial isolated arrhythmogenic right ventricular dysplasia. Identifiers: Orphanet 217656, MedGen C4274968, MONDO:0016342.
Cardiomyopathy (CMYO). Also called: Cardiomyopathies. Identifiers: Orphanet 167848, MedGen C0878544, MONDO:0004994, HP:0001638. Inheritance: Various modes of inheritance.
Arrhythmogenic right ventricular dysplasia 11. Also called: Arrhythmogenic Right Ventricular Dysplasia/Cardiomyopathy11; ARRHYTHMOGENIC RIGHT VENTRICULAR DYSPLASIA, FAMILIAL, 11; Arrhythmogenic right ventricular dysplasia 11 with mild palmoplantar keratoderma and woolly hair. Identifiers: MedGen C1864850, MONDO:0012506, OMIM 610476.
Cardiovascular phenotype. Identifiers: MedGen CN230736.

Allele frequency attached by ClinVar (database versions not stated): gnomAD exomes below 0.00001; TOPMed below 0.00001; gnomAD 0.00001.
gnomAD v4.1: 8 of 1,613,990 alleles (0.0005%); highest among the groups gnomAD compares: Non-Finnish European, 0.00068%; no homozygotes.

Submissions (5):

Ambry Genetics
Classification: Likely benign for Cardiovascular phenotype. Last evaluated: 2026-07-26. Review status: criteria provided, single submitter. Criteria: Ambry Variant Classification Scheme 2023. Collection method: clinical testing. Allele origin: germline.

Labcorp Genetics (formerly Invitae), Labcorp
Classification: Likely benign for Arrhythmogenic right ventricular dysplasia 11. Last evaluated: 2025-09-08. Review status: criteria provided, single submitter. Criteria: Invitae Variant Classification Sherloc (09022015). Collection method: clinical testing. Allele origin: germline.

All of Us Research Program, National Institutes of Health
Classification: Likely benign for Familial isolated arrhythmogenic right ventricular dysplasia. Last evaluated: 2023-05-16. Review status: criteria provided, single submitter. Criteria: ACMG Guidelines, 2015. Collection method: clinical testing. Allele origin: germline. Inheritance: Autosomal dominant inheritance. Observed: 1 variant allele, 1 heterozygote.
Comment: This study involves interpretation of variants in research participants for the purpose of population health screening. Participant phenotype was not available at the time of variant classification. Additional details can be found in publication PMID: 35346344, PMCID: PMC8962531

Women's Health and Genetics/Laboratory Corporation of America, LabCorp
Classification: Likely benign. Last evaluated: 2022-07-02. Review status: criteria provided, single submitter. Criteria: LabCorp Variant Classification Summary - May 2015. Collection method: clinical testing. Allele origin: germline.

Color Diagnostics, LLC DBA Color Health
Classification: Likely benign for Cardiomyopathy. Last evaluated: 2020-09-15. Review status: criteria provided, single submitter. Criteria: ACMG Guidelines, 2015. Collection method: clinical testing. Allele origin: germline.

NM_024422.6(DSC2):c.1347A>G (p.Pro449=)

Gene: DSC2 (desmocollin 2; minus strand). Cytogenetic location: 18q12.1.
Variant type: single nucleotide variant.
Coding change: c.1347A>G on transcript NM_024422.6 (MANE Select); coding-DNA position 1347, A replaced by G.
Protein change: p.Pro449=; no amino-acid change (proline 449 retained).
Molecular consequence: synonymous variant.
Genome position (GRCh38, 1-based): chr18:31,080,269, T>C on the plus strand (A>G on the coding strand, the complement: DSC2 is on the minus strand). VCF-style: chr18-31080269-T-C. GRCh37 (hg19) VCF-style: chr18-28660235-T-C.
Other names: c.1347A>G, p.Pro449= (NM_004949.5).
Identifiers: ClinVar variation 755786 (VCV000755786.14), dbSNP rs1157738158, ClinGen allele CA503527632.
Genomic context (GRCh38, chr18:31,080,269, plus strand): 5'-AGGGCCCTCATCCTGATCTTCTACATTAACAGTAACTGTTGCTGTGCTCATGGCTGATCT[T>C]GGACTAGCCTCTCTGGAAAATGGAGCTTCATTAACTACACCAATTTGCAAGATCATCTGT-3'
Protein context (NP_077740.1, residues 439-459): NEAPFSREAS[Pro449=]RSAMSTATVT